The following is an entry in ClinVar:

ClinVar aggregate classification (germline): Uncertain significance. Review status: criteria provided, multiple submitters, no conflicts (2 of 4 stars). 4 submissions from 4 submitters: Uncertain significance (4). Last evaluated 2026-03-31.

Conditions:
Charcot-Marie-Tooth disease type 4. Also called: Charcot-Marie-Tooth disease, type IV; Charcot-Marie-Tooth, Type 4. Identifiers: Orphanet 64749, MedGen C4082197, MONDO:0018995.
SH3TC2-related disorder. Also called: SH3TC2-related disorders; SH3TC2-related condition. Identifiers: MedGen CN239303.
Inborn genetic diseases. Identifiers: MedGen C0950123, MeSH D030342.

Allele frequency attached by ClinVar (database versions not stated): TOPMed below 0.00001; gnomAD exomes 0.00003; ExAC 0.00007.
gnomAD v4.1: 45 of 1,614,006 alleles (0.0028%); highest among the groups gnomAD compares: Non-Finnish European, 0.0037%; no homozygotes.

Submissions (4):

PreventionGenetics, part of Exact Sciences
Classification: Uncertain significance for SH3TC2-related condition. Last evaluated: 2026-03-31. Review status: criteria provided, single submitter. Criteria: ACMG Guidelines, 2015. Collection method: clinical testing. Allele origin: germline.
Comment: The SH3TC2 c.581A>G variant is predicted to result in the amino acid substitution p.Glu194Gly. To our knowledge, this variant has not been reported in the literature. This variant is reported in 0.012% of alleles in individuals of European (Non-Finnish) descent in gnomAD. At this time, the clinical significance of this variant is uncertain due to the absence of conclusive functional and genetic evidence.

Ambry Genetics
Classification: Uncertain significance for Inborn genetic diseases. Last evaluated: 2024-01-30. Review status: criteria provided, single submitter. Criteria: Ambry Variant Classification Scheme 2023. Collection method: clinical testing. Allele origin: germline.

Mayo Clinic Laboratories, Mayo Clinic
Classification: Uncertain significance. Last evaluated: 2022-04-12. Review status: criteria provided, single submitter. Criteria: ACMG Guidelines, 2015. Collection method: clinical testing. Allele origin: germline. Observed: 1 variant allele.
Comment: BP4

Labcorp Genetics (formerly Invitae), Labcorp
Classification: Uncertain significance for Charcot-Marie-Tooth disease type 4. Last evaluated: 2022-01-06. Review status: criteria provided, single submitter. Criteria: Invitae Variant Classification Sherloc (09022015). Collection method: clinical testing. Allele origin: germline.
Comment: This sequence change replaces glutamic acid, which is acidic and polar, with glycine, which is neutral and non-polar, at codon 194 of the SH3TC2 protein (p.Glu194Gly). This variant is present in population databases (rs766947222, gnomAD 0.01%). This variant has not been reported in the literature in individuals affected with SH3TC2-related conditions. Advanced modeling of protein sequence and biophysical properties (such as structural, functional, and spatial information, amino acid conservation, physicochemical variation, residue mobility, and thermodynamic stability) performed at Invitae indicates that this missense variant is not expected to disrupt SH3TC2 protein function. In summary, the available evidence is currently insufficient to determine the role of this variant in disease. Therefore, it has been classified as a Variant of Uncertain Significance.

NM_024577.4(SH3TC2):c.581A>G (p.Glu194Gly)

Gene: SH3TC2 (SH3 domain and tetratricopeptide repeats 2; minus strand). Cytogenetic location: 5q32.
Variant type: single nucleotide variant.
Coding change: c.581A>G on transcript NM_024577.4 (MANE Select); coding-DNA position 581, A replaced by G.
Protein change: p.Glu194Gly; replaces glutamic acid 194 with glycine.
Molecular consequence: missense variant.
Genome position (GRCh38, 1-based): chr5:149,041,566, T>C on the plus strand (A>G on the coding strand, the complement: SH3TC2 is on the minus strand). VCF-style: chr5-149041566-T-C. GRCh37 (hg19) VCF-style: chr5-148421129-T-C.
Other names: p.Glu194Gly; short protein forms E194G.
Identifiers: ClinVar variation 1749878 (VCV001749878.6), dbSNP rs766947222, ClinGen allele CA3499455.